The following is an entry in ClinVar:

NM_000512.5(GALNS):c.121A>T (p.Met41Leu)

Gene: GALNS (galactosamine (N-acetyl)-6-sulfatase; minus strand). Cytogenetic location: 16q24.3.
Variant type: single nucleotide variant.
Coding change: c.121A>T on transcript NM_000512.5 (MANE Select); coding-DNA position 121, A replaced by T.
Protein change: p.Met41Leu; replaces methionine 41 with leucine.
Molecular consequence: missense variant. On other transcripts: intron variant (1).
Genome position (GRCh38, 1-based): chr16:88,842,829, T>A on the plus strand (A>T on the coding strand, the complement: GALNS is on the minus strand). VCF-style: chr16-88842829-T-A. GRCh37 (hg19) VCF-style: chr16-88909237-T-A.
Other names: c.139A>T, p.Met47Leu (NM_001323544.2); c.-311-858A>T (NM_001323543.2); short protein forms M41L, M47L.
Identifiers: ClinVar variation 1048379 (VCV001048379.13), dbSNP rs1283377907, ClinGen allele CA397092193.

ClinVar aggregate classification (germline): Pathogenic/Likely pathogenic. Review status: criteria provided, multiple submitters, no conflicts (2 of 4 stars). 3 submissions from 3 submitters: Pathogenic (2); Likely pathogenic (1). Last evaluated 2025-09-01.

Conditions:
Mucopolysaccharidosis, MPS-IV-A (MPS4A). Also called: mucopolysaccharidosis type 4A; GALACTOSAMINE-6-SULFATASE DEFICIENCY; GALNS DEFICIENCY; MPS IVA; Mucopolysaccharidosis type IV A; MORQUIO SYNDROME A. Identifiers: Orphanet 309297, Orphanet 582, MedGen C0086651, MONDO:0009659, OMIM 253000.

Allele frequency attached by ClinVar (database versions not stated): TOPMed below 0.00001; gnomAD 0.00001; gnomAD exomes 0.00001.
gnomAD v4.1: 20 of 1,613,088 alleles (0.0012%); highest among the groups gnomAD compares: Non-Finnish European, 0.0016%; no homozygotes.

Submissions (3):

CeGaT Center for Human Genetics Tuebingen
Classification: Pathogenic. Last evaluated: 2025-09-01. Review status: criteria provided, single submitter. Criteria: CeGaT Center For Human Genetics Tuebingen Variant Classification Criteria Version 2. Collection method: clinical testing. Allele origin: germline. Affected: yes. Observed: 1 variant allele.
Comment: GALNS: PM3:Very Strong, PM2, PM5, PP3

Labcorp Genetics (formerly Invitae), Labcorp
Classification: Pathogenic for Mucopolysaccharidosis, MPS-IV-A. Last evaluated: 2023-12-21. Review status: criteria provided, single submitter. Criteria: Invitae Variant Classification Sherloc (09022015). Collection method: clinical testing. Allele origin: germline.
Comment: This sequence change replaces methionine, which is neutral and non-polar, with leucine, which is neutral and non-polar, at codon 41 of the GALNS protein (p.Met41Leu). This variant is present in population databases (no rsID available, gnomAD 0.003%). This missense change has been observed in individuals with mucopolysaccharidosis type IVA (PMID: 15235041, 32993725). ClinVar contains an entry for this variant (Variation ID: 1048379). An algorithm developed to predict the effect of missense changes on protein structure and function (PolyPhen-2) suggests that this variant is likely to be disruptive. Algorithms developed to predict the effect of sequence changes on RNA splicing suggest that this variant may disrupt the consensus splice site. For these reasons, this variant has been classified as Pathogenic.

Laboratory of Diagnosis and Therapy of Lysosomal Disorders, University of Padova
Classification: Likely pathogenic for Mucopolysaccharidosis, MPS-IV-A. Last evaluated: 2021-02-01. Review status: criteria provided, single submitter. Criteria: ACMG Guidelines, 2015. Collection method: curation. Allele origin: germline. Affected: yes.
Comment: In vivo functional studies supportive of a damaging effect on the gene product (low to null enzymatic activity in homozygotes; PS3_supporting); the prevalence of the variant in affected individuals is significantly increased compared with the prevalence in controls (PS4_strong); very low frequency in gnomAD v2.1.1 (PM2_moderate); multiple lines of computational evidence support a deleterious effect on the gene (PP3_supporting)

Literature cited by the submitters: PubMed 15235041 (cited by Labcorp Genetics (formerly Invitae), Labcorp and Laboratory of Diagnosis and Therapy of Lysosomal Disorders, University of Padova); PubMed 32993725 (cited by Labcorp Genetics (formerly Invitae), Labcorp and Laboratory of Diagnosis and Therapy of Lysosomal Disorders, University of Padova); PubMed 16287098 (cited by Laboratory of Diagnosis and Therapy of Lysosomal Disorders, University of Padova); PubMed 23876334 (cited by Laboratory of Diagnosis and Therapy of Lysosomal Disorders, University of Padova); PubMed 34387910 (cited by Laboratory of Diagnosis and Therapy of Lysosomal Disorders, University of Padova).